The following is an entry in ClinVar:

NM_203290.4(POLR1C):c.1012G>A (p.Asp338Asn)

Gene: POLR1C (RNA polymerase I and III subunit C; plus strand). Cytogenetic location: 6p21.1.
Variant type: single nucleotide variant.
Coding change: c.1012G>A on transcript NM_203290.4 (MANE Select); coding-DNA position 1012, G replaced by A.
Protein change: p.Asp338Asn; replaces aspartic acid 338 with asparagine.
Molecular consequence: missense variant. On other transcripts: intron variant (2).
Genome position (GRCh38, 1-based): chr6:43,521,271, G>A. VCF-style: chr6-43521271-G-A. GRCh37 (hg19) VCF-style: chr6-43489009-G-A.
Other names: c.922+223G>A (NM_001318876.2, NM_001363658.2); short protein forms D338N.
Identifiers: ClinVar variation 1440931 (VCV001440931.6), dbSNP rs897110459, ClinGen allele CA138325595.

ClinVar aggregate classification (germline): Uncertain significance (1 of 4 stars; one submission).

Allele frequency attached by ClinVar (database versions not stated): TOPMed 0.00001.
gnomAD v4.1: 1 of 1,612,604 alleles (0.000062%); no homozygotes.

Submission:

Labcorp Genetics (formerly Invitae), Labcorp
Classification: Uncertain significance. Last evaluated: 2021-08-06. Review status: criteria provided, single submitter. Criteria: Invitae Variant Classification Sherloc (09022015). Collection method: clinical testing. Allele origin: germline.
Comment: This sequence change replaces aspartic acid with asparagine at codon 338 of the POLR1C protein (p.Asp338Asn). The aspartic acid residue is moderately conserved and there is a small physicochemical difference between aspartic acid and asparagine. This variant is not present in population databases (ExAC no frequency). This variant has not been reported in the literature in individuals affected with POLR1C-related conditions. Algorithms developed to predict the effect of missense changes on protein structure and function are either unavailable or do not agree on the potential impact of this missense change (SIFT: "Not Available"; PolyPhen-2: "Benign"; Align-GVGD: "Not Available"). In summary, the available evidence is currently insufficient to determine the role of this variant in disease. Therefore, it has been classified as a Variant of Uncertain Significance.